The following is an entry in ClinVar:

NM_001367624.2(ZNF469):c.8863G>T (p.Ala2955Ser)

Gene: ZNF469 (zinc finger protein 469; plus strand). Cytogenetic location: 16q24.2.
Variant type: single nucleotide variant.
Coding change: c.8863G>T on transcript NM_001367624.2 (MANE Select); coding-DNA position 8863, G replaced by T.
Protein change: p.Ala2955Ser; replaces alanine 2955 with serine.
Molecular consequence: missense variant.
Genome position (GRCh38, 1-based): chr16:88,436,333, G>T. VCF-style: chr16-88436333-G-T. GRCh37 (hg19) VCF-style: chr16-88502741-G-T.
Other names: NM_001127464.1:c.8779G>T; short protein forms A2955S.
Identifiers: ClinVar variation 1764623 (VCV001764623.2), dbSNP rs1906571406, ClinGen allele CA397119594.

ClinVar aggregate classification (germline): Uncertain significance (1 of 4 stars; one submission).

Conditions:
Cardiovascular phenotype. Identifiers: MedGen CN230736.

Submission:

Ambry Genetics
Classification: Uncertain significance for Cardiovascular phenotype. Last evaluated: 2022-02-17. Review status: criteria provided, single submitter. Criteria: Ambry Variant Classification Scheme 2023. Collection method: clinical testing. Allele origin: germline.
Comment: The p.A2927S variant (also known as c.8779G>T), located in coding exon 2 of the ZNF469 gene, results from a G to T substitution at nucleotide position 8779. The alanine at codon 2927 is replaced by serine, an amino acid with similar properties. This amino acid position is conserved. In addition, this alteration is predicted to be tolerated by in silico analysis. Since supporting evidence is limited at this time, the clinical significance of this alteration remains unclear.